The following is an entry in ClinVar:

NM_004260.4(RECQL4):c.539delinsCTCCCTAGCCCAGC (p.Ser180delinsThrProTer)

Gene: RECQL4 (RecQ like helicase 4; minus strand). Cytogenetic location: 8q24.3.
Variant type: Indel.
Coding change: c.539delinsCTCCCTAGCCCAGC on transcript NM_004260.4 (MANE Select); coding-DNA position 539, G replaced by CTCCCTAGCCCAGC.
Protein change: p.Ser180delinsThrProTer.
Molecular consequence: nonsense.
Genome position (GRCh38, 1-based): chr8:144,516,580, C replaced by GCTGGGCTAGGGAG on the plus strand (G replaced by CTCCCTAGCCCAGC on the coding strand, the reverse complement: RECQL4 is on the minus strand). VCF-style: chr8-144516580-C-GCTGGGCTAGGGAG. GRCh37 (hg19) VCF-style: chr8-145741964-C-GCTGGGCTAGGGAG.
Identifiers: ClinVar variation 970599 (VCV000970599.6), dbSNP rs1815053872, ClinGen allele CA1139660838.

ClinVar aggregate classification (germline): Pathogenic (1 of 4 stars; one submission).

Conditions:
Baller-Gerold syndrome (BGS). Also called: CRANIOSYNOSTOSIS WITH RADIAL DEFECTS. Identifiers: Orphanet 1225, MedGen C0265308, MONDO:0009039, OMIM 218600.

Submission:

Labcorp Genetics (formerly Invitae), Labcorp
Classification: Pathogenic for Baller-Gerold syndrome. Last evaluated: 2019-11-10. Review status: criteria provided, single submitter. Criteria: Invitae Variant Classification Sherloc (09022015). Collection method: clinical testing. Allele origin: germline.
Comment: This variant is not present in population databases (ExAC no frequency). This variant has not been reported in the literature in individuals with RECQL4-related conditions. Loss-of-function variants in RECQL4 are known to be pathogenic (PMID: 12734318, 12952869). For these reasons, this variant has been classified as Pathogenic. This sequence change creates a premature translational stop signal (p.Ser180Thrfs*3) in the RECQL4 gene. It is expected to result in an absent or disrupted protein product.

Literature cited by the submitters: PubMed 12734318; PubMed 12952869.